The following is an entry in ClinVar:

NM_000053.4(ATP7B):c.3619_3620inv (p.His1207Cys)

Gene: ATP7B (ATPase copper transporting beta; minus strand). Cytogenetic location: 13q14.3.
Variant type: Inversion.
Coding change: c.3619_3620inv on transcript NM_000053.4 (MANE Select).
Protein change: p.His1207Cys; replaces histidine 1207 with cysteine.
Molecular consequence: missense variant.
Genome position: GRCh38 VCF-style: chr13-51939130-TG-CA. GRCh37 (hg19) VCF-style: chr13-52513266-TG-CA.
Other names: c.2998_2999inv, p.His1000Cys (NM_001005918.3); c.3286_3287inv, p.His1096Cys (NM_001243182.2); c.3385_3386inv, p.His1129Cys (NM_001330578.2, NM_001406527.1, NM_001406528.1); c.3367_3368inv, p.His1123Cys (NM_001330579.2, NM_001406531.1, NM_001406532.1); c.3619_3620inv, p.His1207Cys (NM_001406511.1, NM_001406512.1, NM_001406526.1); c.3613_3614inv, p.His1205Cys (NM_001406513.1); c.3586_3587inv, p.His1196Cys (NM_001406514.1); c.3565_3566inv, p.His1189Cys (NM_001406515.1, NM_001406516.1); and 21 more; short protein forms H1000C, H1013C, H1043C, H1045C, H1058C, H1064C, H1081C, H1094C.
Identifiers: ClinVar variation 3336167 (VCV003336167.1).
Genomic context (GRCh38, chr13:51,939,130, plus strand): 5'-GCTGTCTTCCGGTTGTCCCCCGTGATCAGAACCACGTCCACACCCATGCTCTGCAGCGTG[TG>CA]CACAGCCAGGGCAGCCTCCTGCTTGACAGCGTCTGCGATTGCGATCATCCCACAGAGCAC-3'
Protein context (NP_000044.2, residues 1197-1217): AVKQEAALAV[His1207Cys]TLQSMGVDVV

ClinVar aggregate classification (germline): Uncertain significance (1 of 4 stars; one submission).

Submission:

Women's Health and Genetics/Laboratory Corporation of America, LabCorp
Classification: Uncertain significance. Last evaluated: 2024-05-06. Review status: criteria provided, single submitter. Criteria: LabCorp Variant Classification Summary - May 2015. Collection method: clinical testing. Allele origin: germline.
Comment: Variant summary: ATP7B c.3619_3620delinsTG (p.His1207Cys) results in a non-conservative amino acid change located in the P-type ATPase, haloacid dehalogenase domain (IPR044492) of the encoded protein sequence. Four of five in-silico tools predict a damaging effect of the variant on protein function. The allele frequency of this variant could not be determined from population databases such as gnomAD as it is a multinucleotide variant consisting of 13-51939130-T-C (c.3620A>G; p.His1207Arg) and 13-51939131-G-A (c.3619C>T; p.His1207Tyr). The individual variants have variable frequencies and the exact number of alleles representing a combination of the two in cis is unknown. However, based on the frequency of the least prevalent allele, namely c.3619C>T, it can be estimated that the multinucleotide variant will be found at a frequency of 1.4e-06 in 1461870 control chromosomes (gnomAD). The available data on variant occurrences in the general population are insufficient to allow any conclusion about variant significance. To our knowledge, no occurrence of c.3619_3620delinsTG in individuals affected with Wilson Disease and no experimental evidence demonstrating its impact on protein function have been reported. No submitters have cited clinical-significance assessments for this variant to ClinVar. Based on the evidence outlined above, the variant was classified as uncertain significance.